The following is an entry in ClinVar:

ClinVar aggregate classification (germline): Uncertain significance. Review status: criteria provided, multiple submitters, no conflicts (2 of 4 stars). 2 submissions from 2 submitters: Uncertain significance (2). Last evaluated 2024-03-07.

Conditions:
Hereditary cancer-predisposing syndrome. Also called: Neoplastic Syndromes, Hereditary; Hereditary Cancer Syndrome; Tumor predisposition; Hereditary neoplastic syndrome. Identifiers: Orphanet 140162, MedGen C0027672, MeSH D009386, MONDO:0015356.

Submissions (2):

Color Diagnostics, LLC DBA Color Health
Classification: Uncertain significance for Hereditary cancer-predisposing syndrome. Last evaluated: 2024-03-07. Review status: criteria provided, single submitter. Criteria: ACMG Guidelines, 2015. Collection method: clinical testing. Allele origin: germline.
Comment: This missense variant replaces isoleucine with threonine at codon 286 of the BARD1 protein. Computational prediction tool suggests that this variant may not impact protein structure and function (internally defined REVEL score threshold <=0.5, PMID: 27666373). Splice site prediction tools suggest that this variant may not impact RNA splicing. To our knowledge, functional studies have not been performed for this variant. This variant has not been reported in individuals affected with hereditary cancer in the literature. This variant has not been identified in the general population by the Genome Aggregation Database (gnomAD). The available evidence is insufficient to determine the role of this variant in disease conclusively. Therefore, this variant is classified as a Variant of Uncertain Significance.

Ambry Genetics
Classification: Uncertain significance for Hereditary cancer-predisposing syndrome. Last evaluated: 2022-11-10. Review status: criteria provided, single submitter. Criteria: Ambry Variant Classification Scheme 2023. Collection method: clinical testing. Allele origin: germline.
Comment: The p.I286T variant (also known as c.857T>C), located in coding exon 4 of the BARD1 gene, results from a T to C substitution at nucleotide position 857. The isoleucine at codon 286 is replaced by threonine, an amino acid with similar properties. This amino acid position is conserved. In addition, this alteration is predicted to be tolerated by in silico analysis. Since supporting evidence is limited at this time, the clinical significance of this alteration remains unclear.

NM_000465.4(BARD1):c.857T>C (p.Ile286Thr)

Gene: BARD1 (BRCA1 associated RING domain 1; minus strand). Cytogenetic location: 2q35.
Variant type: single nucleotide variant.
Coding change: c.857T>C on transcript NM_000465.4 (MANE Select); coding-DNA position 857, T replaced by C.
Protein change: p.Ile286Thr; replaces isoleucine 286 with threonine.
Molecular consequence: missense variant. On other transcripts: non-coding transcript variant (2), intron variant (3).
Genome position (GRCh38, 1-based): chr2:214,781,017, A>G on the plus strand (T>C on the coding strand, the complement: BARD1 is on the minus strand). VCF-style: chr2-214781017-A-G. GRCh37 (hg19) VCF-style: chr2-215645741-A-G.
Other names: c.800T>C, p.Ile267Thr (NM_001282543.2); c.158+28395T>C (NM_001282548.2); c.215+16044T>C (NM_001282545.2); c.364+11280T>C (NM_001282549.2); c.857T>C (NM_000465.2); short protein forms I267T, I286T.
Identifiers: ClinVar variation 928092 (VCV000928092.6), dbSNP rs1694987058, ClinGen allele CA350455213.
Genomic context (GRCh38, chr2:214,781,017, plus strand): 5'-TTTTTGCAGACCTTCTCAGGAGTCACTACTTCATTCCTGCTCTTAGTGTCTGGAGACTCT[A>G]TTTGCTCAGCCAATGGTAAAGAGACTTCAGTTAAACTTCCAAAACATTCAGATTCTGTCA-3'
Protein context (NP_000456.2, residues 276-296): TEVSLPLAEQ[Ile286Thr]ESPDTKSRNE